The following is an entry in ClinVar:

NM_001042603.3(KDM5A):c.4975G>A (p.Ala1659Thr)

Gene: KDM5A (lysine demethylase 5A; minus strand). Cytogenetic location: 12p13.33.
Variant type: single nucleotide variant.
Coding change: c.4975G>A on transcript NM_001042603.3 (MANE Select); coding-DNA position 4975, G replaced by A.
Protein change: p.Ala1659Thr; replaces alanine 1659 with threonine.
Molecular consequence: missense variant.
Genome position (GRCh38, 1-based): chr12:285,554, C>T on the plus strand (G>A on the coding strand, the complement: KDM5A is on the minus strand). VCF-style: chr12-285554-C-T. GRCh37 (hg19) VCF-style: chr12-394720-C-T.
Other names: short protein forms A1659T.
Identifiers: ClinVar variation 1704173 (VCV001704173.3), dbSNP rs2498141895, ClinGen allele CA383620646.
Genomic context (GRCh38, chr12:285,554, plus strand): 5'-AGCTCATTATGAAGGAAGGAGGTGGTGCTGGACCTGGGCTAACTGGCCCCTGCTTCTTTG[C>T]ACAGTTTATACAGATGTAATCTTCATTTTCAGCCATTTCTGGAGATACACCCACACAAAC-3'
Protein context (NP_001036068.1, residues 1649-1669): ENEDYICINC[Ala1659Thr]KKQGPVSPGP

ClinVar aggregate classification (germline): Uncertain significance (1 of 4 stars; one submission).

Submission:

GeneDx
Classification: Uncertain significance. Last evaluated: 2026-01-07. Review status: criteria provided, single submitter. Criteria: GeneDx Variant Classification Process June 2021. Collection method: clinical testing. Allele origin: germline. Affected: yes.
Comment: Not observed at significant frequency in large population cohorts (gnomAD); In silico analysis suggests that this missense variant does not alter protein structure/function; Has not been previously published as pathogenic or benign to our knowledge